The following is an entry in ClinVar:

NM_001042472.3(ABHD12):c.74C>T (p.Ser25Leu)

Genes: ABHD12 (abhydrolase domain containing 12, lysophospholipase; minus strand), LOC130065586 (ATAC-STARR-seq lymphoblastoid silent region 12752; plus strand). Cytogenetic location: 20p11.21.
Variant type: single nucleotide variant.
Coding change: c.74C>T on transcript NM_001042472.3 (MANE Select); coding-DNA position 74, C replaced by T.
Protein change: p.Ser25Leu; replaces serine 25 with leucine.
Molecular consequence: missense variant.
Genome position (GRCh38, 1-based): chr20:25,390,630, G>A on the plus strand (C>T on the coding strand, the complement: ABHD12 is on the minus strand). VCF-style: chr20-25390630-G-A. GRCh37 (hg19) VCF-style: chr20-25371266-G-A.
Other names: c.74C>T, p.Ser25Leu (NM_015600.5); short protein forms S25L.
Identifiers: ClinVar variation 1020692 (VCV001020692.6), dbSNP rs931553434, ClinGen allele CA313686155.

ClinVar aggregate classification (germline): Uncertain significance (1 of 4 stars; one submission).

Allele frequency attached by ClinVar (database versions not stated): gnomAD exomes below 0.00001; gnomAD 0.00002; TOPMed 0.00002.
gnomAD v4.1: 8 of 1,455,660 alleles (0.00055%); highest among the groups gnomAD compares: African/African-American, 0.0074%; no homozygotes.

Submission:

Labcorp Genetics (formerly Invitae), Labcorp
Classification: Uncertain significance. Last evaluated: 2021-09-01. Review status: criteria provided, single submitter. Criteria: Invitae Variant Classification Sherloc (09022015). Collection method: clinical testing. Allele origin: germline.
Comment: This sequence change replaces serine with leucine at codon 25 of the ABHD12 protein (p.Ser25Leu). The serine residue is weakly conserved and there is a large physicochemical difference between serine and leucine. The frequency data for this variant in the population databases is considered unreliable, as metrics indicate insufficient coverage at this position in the ExAC database. This variant has not been reported in the literature in individuals affected with ABHD12-related conditions. Algorithms developed to predict the effect of missense changes on protein structure and function output the following: SIFT: "Deleterious"; PolyPhen-2: "Benign"; Align-GVGD: "Class C0". The leucine amino acid residue is found in multiple mammalian species, which suggests that this missense change does not adversely affect protein function. In summary, the available evidence is currently insufficient to determine the role of this variant in disease. Therefore, it has been classified as a Variant of Uncertain Significance.